The following is an entry in ClinVar:

NM_016169.4(SUFU):c.403A>G (p.Thr135Ala)

Gene: SUFU (SUFU negative regulator of hedgehog signaling; plus strand). Cytogenetic location: 10q24.32.
Variant type: single nucleotide variant.
Coding change: c.403A>G on transcript NM_016169.4 (MANE Select); coding-DNA position 403, A replaced by G.
Protein change: p.Thr135Ala; replaces threonine 135 with alanine.
Molecular consequence: missense variant.
Genome position (GRCh38, 1-based): chr10:102,550,055, A>G. VCF-style: chr10-102550055-A-G. GRCh37 (hg19) VCF-style: chr10-104309812-A-G.
Other names: c.403A>G, p.Thr135Ala (NM_001178133.2); short protein forms T135A.
Identifiers: ClinVar variation 3323534 (VCV003323534.1).
Genomic context (GRCh38, chr10:102,550,055, plus strand): 5'-GGTTTTGGCTTTGAGTTGACCTTTCGTCTGAAGAGAGAAACTGGGGAGTCTGCCCCACCA[A>G]CATGGCCCGCAGAGTTAATGCAGGGCTTGGCACGATACGTGTTCCAGTCAGGTAGGAGGC-3'
Protein context (NP_057253.2, residues 125-145): KRETGESAPP[Thr135Ala]WPAELMQGLA

ClinVar aggregate classification (germline): Uncertain significance (1 of 4 stars; one submission).

Conditions:
Hereditary cancer-predisposing syndrome. Also called: Neoplastic Syndromes, Hereditary; Tumor predisposition; Hereditary neoplastic syndrome; Hereditary Cancer Syndrome. Identifiers: Orphanet 140162, MedGen C0027672, MeSH D009386, MONDO:0015356.

Submission:

Ambry Genetics
Classification: Uncertain significance for Hereditary cancer-predisposing syndrome. Last evaluated: 2024-03-19. Review status: criteria provided, single submitter. Criteria: Ambry Variant Classification Scheme 2023. Collection method: clinical testing. Allele origin: germline.
Comment: The p.T135A variant (also known as c.403A>G), located in coding exon 3 of the SUFU gene, results from an A to G substitution at nucleotide position 403. The threonine at codon 135 is replaced by alanine, an amino acid with similar properties. This amino acid position is conserved. In addition, the in silico prediction for this alteration is inconclusive. Based on the available evidence, the clinical significance of this alteration remains unclear.